The following is an entry in ClinVar:

ClinVar aggregate classification (germline): Uncertain significance (1 of 4 stars; one submission).

Conditions:
ADNP-related multiple congenital anomalies - intellectual disability - autism spectrum disorder. Also called: Helsmoortel-Van der Aa Syndrome; ADNP-Related Helsmoortel-Van der Aa Syndrome. Identifiers: Orphanet 404448, MedGen C4014538, MONDO:0014379, OMIM 615873. Disease mechanism: loss of function.

Submission:

Juno Genomics, Hangzhou Juno Genomics, Inc
Classification: Uncertain significance for ADNP-related multiple congenital anomalies - intellectual disability - autism spectrum disorder. Review status: criteria provided, single submitter. Criteria: ACMG Guidelines, 2015. Collection method: clinical testing. Allele origin: germline. Affected: yes.
Comment: Null variant in a gene where loss of function (LOF) is a known mechanism of disease.;Absent from controls (or at extremely low frequency if recessive) in Genome Aggregation Database, Exome Sequencing Project, 1000 Genomes Project, or Exome Aggregation Consortium.;The prevalence of the variant in affected individuals is significantly increased compared to the prevalence in controls.

NM_001282531.3(ADNP):c.3071_3072del (p.Glu1024fs)

Gene: ADNP (activity dependent neuroprotector homeobox; minus strand). Cytogenetic location: 20q13.13.
Variant type: Microsatellite.
Coding change: c.3071_3072del on transcript NM_001282531.3 (MANE Select); coding-DNA positions 3071 to 3072, 2 bases deleted (AG; older notation c.3071_3072delAG).
Protein change: p.Glu1024fs; shifts the reading frame from glutamic acid 1024.
Molecular consequence: frameshift variant.
Genome position (GRCh38, 1-based): chr20:50,891,642-50,891,643, CT deleted on the plus strand (AG on the coding strand, the reverse complement: ADNP is on the minus strand); deleting any 2 consecutive bases within chr20:50,891,642-50,891,647 gives the same sequence; the c. name uses the placement nearest the transcript's 3' end. VCF-style (leftmost placement, unchanged base first): chr20-50891641-GCT-G. GRCh37 (hg19) VCF-style: chr20-49508178-GCT-G.
Other names: c.3071_3072del, p.Glu1024fs (NM_001282532.2, NM_001347511.2, NM_015339.5 and 1 more transcripts); short protein forms E1024fs.
Identifiers: ClinVar variation 3383133 (VCV003383133.2).